The following is an entry in ClinVar:

ClinVar aggregate classification (germline): Uncertain significance. Review status: criteria provided, multiple submitters, no conflicts (2 of 4 stars). 3 submissions from 3 submitters: Uncertain significance (3). Last evaluated 2025-06-07.

Conditions:
Acrocallosal syndrome (ACLS). Also called: HALLUX DUPLICATION, POSTAXIAL POLYDACTYLY, AND ABSENCE OF CORPUS CALLOSUM; Schinzel syndrome 1; Absence of corpus callosum with unusual facial appearance, mental deficiency, duplication of the halluces and polydactyly. Identifiers: Orphanet 36, MedGen C0796147, MONDO:0008708, OMIM 200990.
Hydrolethalus syndrome 2 (HLS2). Identifiers: Orphanet 2189, MedGen C3279899, MONDO:0013585, OMIM 614120.
Multiple epiphyseal dysplasia, Al-Gazali type. Also called: Macrocephaly with multiple epiphyseal dysplasia and distinctive facies. Identifiers: Orphanet 166024, MedGen C1846722, MONDO:0011778, OMIM 607131.
Inborn genetic diseases. Identifiers: MedGen C0950123, MeSH D030342.

Allele frequency attached by ClinVar (database versions not stated): gnomAD 0.00001; gnomAD exomes 0.00002; TOPMed 0.00002.
gnomAD v4.1: 24 of 1,276,462 alleles (0.0019%); highest among the groups gnomAD compares: Middle Eastern, 0.027%; no homozygotes.

Submissions (3):

Ambry Genetics
Classification: Uncertain significance for Inborn genetic diseases. Last evaluated: 2025-06-07. Review status: criteria provided, single submitter. Criteria: Ambry Variant Classification Scheme 2023. Collection method: clinical testing. Allele origin: germline.

Fulgent Genetics
Classification: Uncertain significance for Acrocallosal syndrome; Multiple epiphyseal dysplasia, Al-Gazali type; Hydrolethalus syndrome 2. Last evaluated: 2024-02-25. Review status: criteria provided, single submitter. Criteria: ACMG Guidelines, 2015. Collection method: clinical testing. Allele origin: germline.

Labcorp Genetics (formerly Invitae), Labcorp
Classification: Uncertain significance for Acrocallosal syndrome. Last evaluated: 2024-01-02. Review status: criteria provided, single submitter. Criteria: Invitae Variant Classification Sherloc (09022015). Collection method: clinical testing. Allele origin: germline.
Comment: This sequence change replaces histidine, which is basic and polar, with glutamine, which is neutral and polar, at codon 386 of the KIF7 protein (p.His386Gln). This variant is not present in population databases (gnomAD no frequency). This variant has not been reported in the literature in individuals affected with KIF7-related conditions. ClinVar contains an entry for this variant (Variation ID: 1515164). Advanced modeling of protein sequence and biophysical properties (such as structural, functional, and spatial information, amino acid conservation, physicochemical variation, residue mobility, and thermodynamic stability) performed at Invitae indicates that this missense variant is not expected to disrupt KIF7 protein function with a negative predictive value of 80%. In summary, the available evidence is currently insufficient to determine the role of this variant in disease. Therefore, it has been classified as a Variant of Uncertain Significance.

NM_198525.3(KIF7):c.1158C>A (p.His386Gln)

Gene: KIF7 (kinesin family member 7; minus strand). Cytogenetic location: 15q26.1.
Variant type: single nucleotide variant.
Coding change: c.1158C>A on transcript NM_198525.3 (MANE Select); coding-DNA position 1158, C replaced by A.
Protein change: p.His386Gln; replaces histidine 386 with glutamine.
Molecular consequence: missense variant.
Genome position (GRCh38, 1-based): chr15:89,648,540, G>T on the plus strand (C>A on the coding strand, the complement: KIF7 is on the minus strand). VCF-style: chr15-89648540-G-T. GRCh37 (hg19) VCF-style: chr15-90191771-G-T.
Other names: c.1158C>A (NM_198525.2); short protein forms H386Q.
Identifiers: ClinVar variation 1515164 (VCV001515164.8), dbSNP rs1208805083, ClinGen allele CA393772147.
Genomic context (GRCh38, chr15:89,648,540, plus strand): 5'-GCCCAGGCGCATGGCGGCCGCCGCGGAGGCGGTGGCTGGGCCTGGGGCGCGCCGGCCGCG[G>T]TGGATGATGCGGGTCTCGGAGCGGTGCCGTGGCGGACCCCGCGCGCCGCTCGCCGTCTCT-3'
Protein context (NP_940927.2, residues 376-396): PRHRSETRII[His386Gln]RGRRAPGPAT